The following is an entry in ClinVar:

NM_173648.4(CCDC141):c.2803C>T (p.Arg935Trp)

Gene: CCDC141 (coiled-coil domain containing 141; minus strand). Cytogenetic location: 2q31.2.
Variant type: single nucleotide variant.
Coding change: c.2803C>T on transcript NM_173648.4 (MANE Select); coding-DNA position 2803, C replaced by T.
Protein change: p.Arg935Trp; replaces arginine 935 with tryptophan.
Molecular consequence: missense variant.
Genome position (GRCh38, 1-based): chr2:178,856,319, G>A on the plus strand (C>T on the coding strand, the complement: CCDC141 is on the minus strand). VCF-style: chr2-178856319-G-A. GRCh37 (hg19) VCF-style: chr2-179721046-G-A.
Other names: short protein forms R935W.
Identifiers: ClinVar variation 1231630 (VCV001231630.12), dbSNP rs17362588, ClinGen allele CA2006885.

ClinVar aggregate classification (germline): Benign. Review status: criteria provided, multiple submitters, no conflicts (2 of 4 stars). 3 submissions from 3 submitters: Benign (3). Last evaluated 2026-02-01.

Allele frequency attached by ClinVar (database versions not stated): 1000 Genomes Project 30x 0.03701; gnomAD exomes 0.06032; TOPMed 0.05600; ExAC 0.06187; 1000 Genomes Project 0.03574; gnomAD 0.06031 and 0.06157; ESP Exome Variant Server 0.06754.
gnomAD v4.1: 122,588 of 1,608,436 alleles (7.6%); highest among the groups gnomAD compares: Non-Finnish European, 8.9%; 5,410 homozygotes.

Submissions (3):

Labcorp Genetics (formerly Invitae), Labcorp
Classification: Benign. Last evaluated: 2026-02-01. Review status: criteria provided, single submitter. Criteria: Invitae Variant Classification Sherloc (09022015). Collection method: clinical testing. Allele origin: germline.

GeneDx
Classification: Benign. Last evaluated: 2018-11-10. Review status: criteria provided, single submitter. Criteria: GeneDx Variant Classification Process June 2021. Collection method: clinical testing. Allele origin: germline. Affected: yes.
Comment: This variant is associated with the following publications: (PMID: 29748316, 30012220)

Breakthrough Genomics
Classification: Benign. Review status: criteria provided, single submitter. Criteria: ACMG Guidelines, 2015. Collection method: not provided. Allele origin: germline. Inheritance: Unknown mechanism. Affected: yes.